The following is an entry in ClinVar:

ClinVar aggregate classification (germline): Pathogenic (1 of 4 stars; one submission).

Submission:

ISCA site 17
Classification: Pathogenic. Last evaluated: 2011-08-12. Review status: criteria provided, single submitter. Criteria: Kaminsky et al. (Genet Med. 2011). Collection method: clinical testing. Allele origin: unknown. Affected: yes. Observed: 1 variant allele.
Comment: Copy number variation identified through the course of routine clinical cytogenomic testing in postnatal populations. Clinical assertions have been curated as described in Kaminsky et al. 2011.

GRCh38/hg38 13q34(chr13:111541166-113671678)x1

Genes: ADPRHL1 (ADP-ribosylhydrolase like 1; minus strand), ATP11A (ATPase phospholipid transporting 11A; plus strand), ATP11A-AS1 (ATP11A antisense RNA 1; minus strand), ATP11AUN (ATP11A upstream neighbor lncRNA; plus strand), ATP4B (ATPase H+/K+ transporting subunit beta; minus strand) and 81 more. Cytogenetic location: 13q34.
Variant type: copy number loss.
Change: copy number 1 (one copy instead of two) of chr13:111,541,166-113,671,678 (2.13 Mb, GRCh38 coordinates, 1-based), cytogenetic band 13q34.
Identifiers: ClinVar variation 57714 (VCV000057714.1).